The following is an entry in ClinVar:

NC_000013.11:g.48303729C>A

Gene: RB1 (RB transcriptional corepressor 1; plus strand). Cytogenetic location: 13q14.2.
Variant type: single nucleotide variant.
Genome position: GRCh38 VCF-style: chr13-48303729-C-A. GRCh37 (hg19) VCF-style: chr13-48877865-C-A.
Identifiers: ClinVar variation 4727059 (VCV004727059.1).

ClinVar aggregate classification (germline): Uncertain significance (1 of 4 stars; one submission).

Conditions:
Retinoblastoma (RB1). Also called: RETINOBLASTOMA, SOMATIC. Identifiers: Orphanet 790, MedGen C0035335, MeSH D012175, MONDO:0008380, OMIM 180200, HP:0009919. Disease mechanism: loss of function. Inheritance: Both sporadic and heritable forms are tested..

Submission:

Labcorp Genetics (formerly Invitae), Labcorp
Classification: Uncertain significance for Retinoblastoma. Last evaluated: 2025-09-12. Review status: criteria provided, single submitter. Criteria: Invitae Variant Classification Sherloc (09022015). Collection method: clinical testing. Allele origin: germline.
Comment: This variant occurs in a non-coding region of the RB1 gene. It does not change the encoded amino acid sequence of the RB1 protein. This variant is not present in population databases (gnomAD no frequency). This variant has not been reported in the literature in individuals affected with RB1-related conditions. Experimental studies and prediction algorithms are not available or were not evaluated, and the functional significance of this variant is currently unknown. In summary, the available evidence is currently insufficient to determine the role of this variant in disease. Therefore, it has been classified as a Variant of Uncertain Significance.